The following is an entry in ClinVar:

ClinVar aggregate classification (germline): Uncertain significance (1 of 4 stars; one submission).

Conditions:
Hepatic veno-occlusive disease-immunodeficiency syndrome. Also called: Hepatic Veno-Occlusive Disease with Immunodeficiency. Identifiers: Orphanet 79124, MedGen C1856128, MONDO:0009338, OMIM 235550. Disease mechanism: loss of function.

Submission:

Labcorp Genetics (formerly Invitae), Labcorp
Classification: Uncertain significance for Hepatic veno-occlusive disease-immunodeficiency syndrome. Last evaluated: 2020-01-23. Review status: criteria provided, single submitter. Criteria: Invitae Variant Classification Sherloc (09022015). Collection method: clinical testing. Allele origin: germline.
Comment: In summary, the available evidence is currently insufficient to determine the role of this variant in disease. Therefore, it has been classified as a Variant of Uncertain Significance. Algorithms developed to predict the effect of missense changes on protein structure and function are either unavailable or do not agree on the potential impact of this missense change (SIFT: "Deleterious"; PolyPhen-2: "Benign"; Align-GVGD: "Class C0"). This variant has not been reported in the literature in individuals with SP110-related conditions. This variant is not present in population databases (ExAC no frequency). This sequence change replaces serine with phenylalanine at codon 304 of the SP110 protein (p.Ser304Phe). The serine residue is weakly conserved and there is a large physicochemical difference between serine and phenylalanine.

NM_080424.4(SP110):c.911C>T (p.Ser304Phe)

Genes: SP110 (SP110 nuclear body protein; minus strand), SP140 (SP140 nuclear body protein; plus strand). Cytogenetic location: 2q37.1.
Variant type: single nucleotide variant.
Coding change: c.911C>T on transcript NM_080424.4 (MANE Select); coding-DNA position 911, C replaced by T.
Protein change: p.Ser304Phe; replaces serine 304 with phenylalanine.
Molecular consequence: missense variant. On other transcripts: intron variant (1).
Genome position (GRCh38, 1-based): chr2:230,202,716, G>A on the plus strand (C>T on the coding strand, the complement: SP110 is on the minus strand). VCF-style: chr2-230202716-G-A. GRCh37 (hg19) VCF-style: chr2-231067432-G-A.
Other names: c.929C>T, p.Ser310Phe (NM_001185015.2, NM_001378442.1, NM_001378444.1 and 2 more transcripts); c.911C>T, p.Ser304Phe (NM_001378443.1, NM_004509.5, NM_004510.4); c.899-1751C>T (NM_001378447.1); short protein forms S310F, S304F.
Identifiers: ClinVar variation 1036082 (VCV001036082.9), dbSNP rs2043304942, ClinGen allele CA350911968.
Genomic context (GRCh38, chr2:230,202,716, plus strand): 5'-TCATCTTTCTTTTGAGGAACCTGATCCACCCTTTTGAGCTTCTTTTGGATTCCGTGTCTA[G>A]ATGAGGCTGTCCCTGGACCAAATAATGACTTGTTAATAGTTTAAATTGGGGTCTTCAGTG-3'
Protein context (NP_536349.3, residues 294-314): KKSLPGGTAS[Ser304Phe]RHGIQKKLKR